The following is an entry in ClinVar:

ClinVar aggregate classification (germline): Uncertain significance. Review status: criteria provided, multiple submitters, no conflicts (2 of 4 stars). 7 submissions from 7 submitters: Uncertain significance (6). 1 of the submissions does not count toward it. Last evaluated 2025-09-08.

Conditions:
Cardiac arrhythmia. Also called: Arrhythmia; Cardiac rhythm disease. Identifiers: MedGen C0003811, MONDO:0007263, HP:0011675.
Familial long QT syndrome (RWS). Also called: Congenital long QT syndrome; Romano-Ward syndrome; VENTRICULAR FIBRILLATION WITH PROLONGED QT INTERVAL. Identifiers: Orphanet 768, MedGen C1141890, MONDO:0019171.
Long QT syndrome (LQTS). Identifiers: MedGen C0023976, MeSH D008133, MONDO:0002442. Disease mechanism: loss of function. Inheritance: Various modes of inheritance.

Allele frequency attached by ClinVar (database versions not stated): TOPMed 0.00003; gnomAD exomes 0.00002; gnomAD 0.00001; ExAC 0.00001.
gnomAD v4.1: 29 of 1,614,034 alleles (0.0018%); highest among the groups gnomAD compares: Admixed American, 0.0033%; no homozygotes.

Submissions (7):

Labcorp Genetics (formerly Invitae), Labcorp
Classification: Uncertain significance for Long QT syndrome. Last evaluated: 2025-09-08. Review status: criteria provided, single submitter. Criteria: Invitae Variant Classification Sherloc (09022015). Collection method: clinical testing. Allele origin: germline.
Comment: This sequence change replaces proline, which is neutral and non-polar, with leucine, which is neutral and non-polar, at codon 440 of the KCNH2 protein (p.Pro440Leu). This variant is present in population databases (rs199473509, gnomAD 0.006%). This missense change has been observed in individual(s) with clinical features of KCNH2-related conditions (PMID: 19716085, 28912206). ClinVar contains an entry for this variant (Variation ID: 67185). An algorithm developed to predict the effect of missense changes on protein structure and function (PolyPhen-2) suggests that this variant is likely to be tolerated. In summary, the available evidence is currently insufficient to determine the role of this variant in disease. Therefore, it has been classified as a Variant of Uncertain Significance.

Blueprint Genetics
Classification: Uncertain significance. Last evaluated: 2024-08-07. Review status: criteria provided, single submitter. Criteria: ACMG Guidelines, 2015. Collection method: clinical testing. Allele origin: germline.

Color Diagnostics, LLC DBA Color Health
Classification: Uncertain significance for Cardiac arrhythmia. Last evaluated: 2024-04-09. Review status: criteria provided, single submitter. Criteria: ACMG Guidelines, 2015. Collection method: clinical testing. Allele origin: germline.
Comment: This missense variant replaces proline with leucine at codon 440 of the KCNH2 protein. Computational prediction is inconclusive regarding the impact of this variant on protein structure and function (internally defined REVEL score threshold 0.5 < inconclusive < 0.7, PMID: 27666373). To our knowledge, functional studies have not been reported for this variant. This variant has been reported in an individual affected with long QT syndrome (PMID:19716085). This variant has been identified in 4/251474 chromosomes in the general population by the Genome Aggregation Database (gnomAD). The available evidence is insufficient to determine the role of this variant in disease conclusively. Therefore, this variant is classified as a Variant of Uncertain Significance.

All of Us Research Program, National Institutes of Health
Classification: Uncertain significance for Long QT syndrome. Last evaluated: 2023-08-15. Review status: criteria provided, single submitter. Criteria: ACMG Guidelines, 2015. Collection method: clinical testing. Allele origin: germline. Inheritance: Autosomal dominant inheritance. Observed: 7 variant alleles, 7 heterozygotes.
Comment: This missense variant replaces proline with leucine at codon 440 of the KCNH2 protein. Computational prediction tool is inconclusive regarding the impact of this variant on protein structure and function (internally defined REVEL score threshold 0.5 < inconclusive < 0.7, PMID: 27666373). To our knowledge, functional studies have not been performed for this variant. This variant has been reported in an individual affected with long QT syndrome (PMID:19716085). This variant has been identified in 4/251474 chromosomes in the general population by the Genome Aggregation Database (gnomAD). The available evidence is insufficient to determine the role of this variant in disease conclusively. Therefore, this variant is classified as a Variant of Uncertain Significance.

This study involves interpretation of variants in research participants for the purpose of population health screening. Participant phenotype was not available at the time of variant classification. Additional details can be found in publication PMID: 35346344, PMCID: PMC8962531

Athena Diagnostics
Classification: Uncertain significance. Last evaluated: 2022-03-29. Review status: criteria provided, single submitter. Criteria: Athena Diagnostics Criteria. Collection method: clinical testing. Allele origin: unknown.

GeneDx
Classification: Uncertain significance. Last evaluated: 2021-03-12. Review status: criteria provided, single submitter. Criteria: GeneDx Variant Classification Process June 2021. Collection method: clinical testing. Allele origin: germline. Affected: yes.
Comment: Identified in patients with suspected long QT syndrome or sudden cardiac death, but there is conflicting determination of its pathogenicity (Kapplinger et al., 2009; Quenin et al., 2017; Mattivi et al., 2019); Not observed at a significant frequency in large population cohorts, and no individuals were reported to be homozygous (Lek et al., 2016); In silico analysis supports that this missense variant does not alter protein structure/function; This variant is associated with the following publications: (PMID: 28912206, 19716085, 31493592)

Cardiovascular Biomedical Research Unit, Royal Brompton & Harefield NHS Foundation Trust
No classification provided. Condition: Familial long QT syndrome. Review status: no classification provided. Collection method: literature only. Allele origin: germline. Not counted in ClinVar's aggregate classification.
Comment: This variant has been reported as associated with Long QT syndrome in the following publications (PMID:19716085). This is a literature report, and does not necessarily reflect the clinical interpretation of the Imperial College / Royal Brompton Cardiovascular Genetics laboratory.

Literature cited by the submitters: PubMed 19716085 (cited by 5 submitters); PubMed 28912206 (cited by Labcorp Genetics (formerly Invitae), Labcorp and Athena Diagnostics); PubMed 31493592 (cited by Athena Diagnostics); PubMed 22581653 (cited by Athena Diagnostics and Cardiovascular Biomedical Research Unit, Royal Brompton & Harefield NHS Foundation Trust).

NM_000238.4(KCNH2):c.1319C>T (p.Pro440Leu)

Gene: KCNH2 (potassium voltage-gated channel subfamily H member 2; minus strand). Cytogenetic location: 7q36.1.
Variant type: single nucleotide variant.
Coding change: c.1319C>T on transcript NM_000238.4 (MANE Select); coding-DNA position 1319, C replaced by T.
Protein change: p.Pro440Leu; replaces proline 440 with leucine.
Molecular consequence: missense variant.
Genome position (GRCh38, 1-based): chr7:150,952,663, G>A on the plus strand (C>T on the coding strand, the complement: KCNH2 is on the minus strand). VCF-style: chr7-150952663-G-A. GRCh37 (hg19) VCF-style: chr7-150649751-G-A.
Other names: c.1319C>T (LRG_288t1); c.299C>T, p.Pro100Leu (NM_001204798.2, NM_172057.3); c.1031C>T, p.Pro344Leu (NM_001406753.1, NM_001406756.1); c.1142C>T, p.Pro381Leu (NM_001406755.1); c.1019C>T, p.Pro340Leu (NM_001406757.1); c.1319C>T, p.Pro440Leu (NM_172056.3); short protein forms P100L, P440L, P340L, P381L, P344L.
Identifiers: ClinVar variation 67185 (VCV000067185.23), dbSNP rs199473509, ClinGen allele CA004455.